The following is an entry in ClinVar:

ClinVar aggregate classification (germline): Conflicting classifications of pathogenicity. Review status: criteria provided, conflicting classifications (1 of 4 stars). 5 submissions from 5 submitters: Likely pathogenic (1); Uncertain significance (4). Last evaluated 2024-05-08.

Conditions:
Mitochondrial complex III deficiency nuclear type 2. Identifiers: MedGen C3554605, MONDO:0014063, OMIM 615157.

Allele frequency attached by ClinVar (database versions not stated): gnomAD 0.00003 and 0.00008; TOPMed 0.00005; gnomAD exomes 0.00019; ExAC 0.00066.
gnomAD v4.1: 124 of 1,515,046 alleles (0.0082%); highest among the groups gnomAD compares: South Asian, 0.12%; 2 homozygotes.

Submissions (5):

Blueprint Genetics
Classification: Uncertain significance. Last evaluated: 2024-05-08. Review status: criteria provided, single submitter. Criteria: ACMG Guidelines, 2015. Collection method: clinical testing. Allele origin: germline.

Genomic Medicine Center of Excellence, King Faisal Specialist Hospital and Research Centre
Classification: Uncertain significance for Mitochondrial complex III deficiency nuclear type 2. Last evaluated: 2024-03-26. Review status: criteria provided, single submitter. Criteria: ACMG Guidelines, 2015. Collection method: clinical testing. Allele origin: germline.

Labcorp Genetics (formerly Invitae), Labcorp
Classification: Uncertain significance. Last evaluated: 2022-09-27. Review status: criteria provided, single submitter. Criteria: Invitae Variant Classification Sherloc (09022015). Collection method: clinical testing. Allele origin: germline.
Comment: This sequence change replaces arginine, which is basic and polar, with tryptophan, which is neutral and slightly polar, at codon 3 of the TTC19 protein (p.Arg3Trp). In summary, the available evidence is currently insufficient to determine the role of this variant in disease. Therefore, it has been classified as a Variant of Uncertain Significance. Algorithms developed to predict the effect of missense changes on protein structure and function are either unavailable or do not agree on the potential impact of this missense change (SIFT: "Deleterious"; PolyPhen-2: "Not Available"; Align-GVGD: "Class C0"). ClinVar contains an entry for this variant (Variation ID: 215303). This variant has not been reported in the literature in individuals affected with TTC19-related conditions. This variant is present in population databases (rs756830714, gnomAD 0.1%).

Department of Pathology and Laboratory Medicine, Sinai Health System
Classification: Uncertain significance for Mitochondrial complex III deficiency nuclear type 2. Last evaluated: 2022-06-13. Review status: criteria provided, single submitter. Criteria: ACMG Guidelines, 2015. Collection method: research. Allele origin: germline.

GeneDx
Classification: Likely pathogenic. Last evaluated: 2012-11-08. Review status: criteria provided, single submitter. Criteria: GeneDx Variant Classification (06012015). Collection method: clinical testing. Allele origin: germline. Affected: yes.
Comment: p.Arg124Trp (CGG>TGG):c.370 C>T in exon 1 of the TTC19 gene (NM_017775.3) The R124W missense change that is likely disease-associated was identified in the TTC19 gene. It has not been published as a mutation, nor has it been reported as a benign polymorphism to our knowledge. The amino acid change is non-conservative in that a positively charged Arginine residue is replaced by an uncharged Tryptophan residue. This change occurs at a highly conserved position in the TTC19 protein. In-silico analyses are not consistent in their predictions of whether or not R124W is damaging to the TTC19 protein. Therefore, R124W is a strong candidate for a disease-causing mutation, however the possibility that it is a benign variant cannot be excluded. The variant is found in MITONUC-MITOP panel(s).

NM_017775.4(TTC19):c.7C>T (p.Arg3Trp)

Genes: TTC19 (tetratricopeptide repeat domain 19; plus strand), LOC130060311 (ATAC-STARR-seq lymphoblastoid silent region 8214; plus strand). Cytogenetic location: 17p12.
Variant type: single nucleotide variant.
Coding change: c.7C>T on transcript NM_017775.4 (MANE Select); coding-DNA position 7, C replaced by T.
Protein change: p.Arg3Trp; replaces arginine 3 with tryptophan.
Molecular consequence: missense variant. On other transcripts: 5 prime UTR variant (1).
Genome position (GRCh38, 1-based): chr17:15,999,855, C>T. VCF-style: chr17-15999855-C-T. GRCh37 (hg19) VCF-style: chr17-15903169-C-T.
Other names: p.R124W:CGG>TGG; c.-452C>T (NM_001271420.2); short protein forms R3W.
Identifiers: ClinVar variation 215303 (VCV000215303.13), dbSNP rs756830714, ClinGen allele CA322238.
Genomic context (GRCh38, chr17:15,999,855, plus strand): 5'-GTCGGGGGCCAGGAGCGCGTCTGGCCTGCAGTGCGCAGAGGACGCGGCGGGAGCATGTTC[C>T]GGCTCCTGAGCTGGAGCCTGGGCCGAGGCTTCCTGCGGGCCGCGGGGCGGCGGTGCCGGG-3'
Protein context (NP_060245.3, residues 1-13): MF[Arg3Trp]LLSWSLGRGF